The following is an entry in ClinVar:

ClinVar aggregate classification (germline): Likely benign (1 of 4 stars; one submission).

Allele frequency attached by ClinVar (database versions not stated): 1000 Genomes Project 0.00200; 1000 Genomes Project 30x 0.00203; TOPMed 0.00512; gnomAD 0.00535; ESP Exome Variant Server 0.00654; ExAC 0.00733; gnomAD exomes 0.00796.
gnomAD v4.1: 11,790 of 1,546,164 alleles (0.76%); highest among the groups gnomAD compares: Non-Finnish European, 0.92%; 61 homozygotes.

Submission:

CeGaT Center for Human Genetics Tuebingen
Classification: Likely benign. Last evaluated: 2022-12-01. Review status: criteria provided, single submitter. Criteria: CeGaT Center For Human Genetics Tuebingen Variant Classification Criteria Version 2. Collection method: clinical testing. Allele origin: germline. Affected: yes. Observed: 2 variant alleles.
Comment: TGFBRAP1: BP4, BP7, BS2

NM_004257.6(TGFBRAP1):c.1986A>C (p.Gly662=)

Gene: TGFBRAP1 (transforming growth factor beta receptor associated protein 1; minus strand). Cytogenetic location: 2q12.1.
Variant type: single nucleotide variant.
Coding change: c.1986A>C on transcript NM_004257.6 (MANE Select); coding-DNA position 1986, A replaced by C.
Protein change: p.Gly662=; no amino-acid change (glycine 662 retained).
Molecular consequence: synonymous variant.
Genome position (GRCh38, 1-based): chr2:105,269,692, T>G on the plus strand (A>C on the coding strand, the complement: TGFBRAP1 is on the minus strand). VCF-style: chr2-105269692-T-G. GRCh37 (hg19) VCF-style: chr2-105886149-T-G.
Other names: c.1986A>C, p.Gly662= (NM_001142621.3, NM_001328646.3).
Identifiers: ClinVar variation 2651227 (VCV002651227.24), dbSNP rs144071743, ClinGen allele CA1813871.